The following is an entry in ClinVar:

ClinVar aggregate classification (germline): Uncertain significance (1 of 4 stars; one submission).

Allele frequency attached by ClinVar (database versions not stated): ExAC 0.00003; gnomAD exomes 0.00003; 1000 Genomes Project 0.00020; 1000 Genomes Project 30x 0.00031.
gnomAD v4.1: 49 of 1,613,794 alleles (0.003%); highest among the groups gnomAD compares: Admixed American, 0.033%; no homozygotes.

Submission:

Labcorp Genetics (formerly Invitae), Labcorp
Classification: Uncertain significance. Last evaluated: 2022-08-12. Review status: criteria provided, single submitter. Criteria: Invitae Variant Classification Sherloc (09022015). Collection method: clinical testing. Allele origin: germline.
Comment: This sequence change replaces alanine, which is neutral and non-polar, with valine, which is neutral and non-polar, at codon 112 of the DOCK6 protein (p.Ala112Val). This variant is present in population databases (rs568356388, gnomAD 0.03%). This variant has not been reported in the literature in individuals affected with DOCK6-related conditions. Algorithms developed to predict the effect of missense changes on protein structure and function output the following: SIFT: "Tolerated"; PolyPhen-2: "Benign"; Align-GVGD: "Class C0". The valine amino acid residue is found in multiple mammalian species, which suggests that this missense change does not adversely affect protein function. In summary, the available evidence is currently insufficient to determine the role of this variant in disease. Therefore, it has been classified as a Variant of Uncertain Significance.

NM_020812.4(DOCK6):c.335C>T (p.Ala112Val)

Gene: DOCK6 (dedicator of cytokinesis 6; minus strand). Cytogenetic location: 19p13.2.
Variant type: single nucleotide variant.
Coding change: c.335C>T on transcript NM_020812.4 (MANE Select); coding-DNA position 335, C replaced by T.
Protein change: p.Ala112Val; replaces alanine 112 with valine.
Molecular consequence: missense variant.
Genome position (GRCh38, 1-based): chr19:11,252,524, G>A on the plus strand (C>T on the coding strand, the complement: DOCK6 is on the minus strand). VCF-style: chr19-11252524-G-A. GRCh37 (hg19) VCF-style: chr19-11363200-G-A.
Other names: c.335C>T, p.Ala112Val (NM_001367830.1); short protein forms A112V.
Identifiers: ClinVar variation 2415817 (VCV002415817.3), dbSNP rs568356388, ClinGen allele CA9208538.
Genomic context (GRCh38, chr19:11,252,524, plus strand): 5'-CCCCTAAGTCAGACTCACCTTCTGTGGACAATGACCCAGTCCTCAATATACATCTCCACC[G>A]CGGCCCTCACCTGGGCATCCAGTTTTCTGCAGCAAAAGAAGATCAGGGTAAACAGAGACA-3'
Protein context (NP_065863.2, residues 102-122): DEKLDAQVRA[Ala112Val]VEMYIEDWVI